The following is an entry in ClinVar:

ClinVar aggregate classification (germline): Likely benign (1 of 4 stars; one submission).

Conditions:
MC3R-related disorder. Also called: MC3R-related condition.

Submission:

PreventionGenetics, part of Exact Sciences
Classification: Likely benign for MC3R-related condition. Last evaluated: 2026-02-12. Review status: criteria provided, single submitter. Criteria: ACMG Guidelines, 2015. Collection method: clinical testing. Allele origin: germline.
Comment: This variant is classified as likely benign based on ACMG/AMP sequence variant interpretation guidelines (Richards et al. 2015 PMID: 25741868, with internal and published modifications).

NM_019888.3(MC3R):c.621C>T (p.Tyr207=)

Gene: MC3R (melanocortin 3 receptor; plus strand). Cytogenetic location: 20q13.2.
Variant type: single nucleotide variant.
Coding change: c.621C>T on transcript NM_019888.3 (MANE Select); coding-DNA position 621, C replaced by T.
Protein change: p.Tyr207=; no amino-acid change (tyrosine 207 retained).
Molecular consequence: synonymous variant.
Genome position (GRCh38, 1-based): chr20:56,249,464, C>T. VCF-style: chr20-56249464-C-T. GRCh37 (hg19) VCF-style: chr20-54824520-C-T.
Identifiers: ClinVar variation 4979626 (VCV004979626.1).